The following is an entry in ClinVar:

ClinVar aggregate classification (germline): Uncertain significance. Review status: criteria provided, multiple submitters, no conflicts (2 of 4 stars). 2 submissions from 2 submitters: Uncertain significance (2). Last evaluated 2025-10-15.

Conditions:
Inborn genetic diseases. Identifiers: MedGen C0950123, MeSH D030342.

Allele frequency attached by ClinVar (database versions not stated): gnomAD 0.00011; 1000 Genomes Project 0.00060; ExAC 0.00035; TOPMed 0.00009; gnomAD exomes 0.00014; 1000 Genomes Project 30x 0.00078.
gnomAD v4.1: 217 of 1,560,286 alleles (0.014%); highest among the groups gnomAD compares: Non-Finnish European, 0.017%; no homozygotes.

Submissions (2):

Ambry Genetics
Classification: Uncertain significance for Inborn genetic diseases. Last evaluated: 2025-10-15. Review status: criteria provided, single submitter. Criteria: Ambry Variant Classification Scheme 2023. Collection method: clinical testing. Allele origin: germline.

Labcorp Genetics (formerly Invitae), Labcorp
Classification: Uncertain significance. Last evaluated: 2022-05-16. Review status: criteria provided, single submitter. Criteria: Invitae Variant Classification Sherloc (09022015). Collection method: clinical testing. Allele origin: germline.
Comment: This sequence change replaces proline, which is neutral and non-polar, with alanine, which is neutral and non-polar, at codon 149 of the HES7 protein (p.Pro149Ala). This variant is present in population databases (rs577019983, gnomAD 0.03%). This variant has not been reported in the literature in individuals affected with HES7-related conditions. Algorithms developed to predict the effect of missense changes on protein structure and function are either unavailable or do not agree on the potential impact of this missense change (SIFT: "Tolerated"; PolyPhen-2: "Probably Damaging"; Align-GVGD: "Class C0"). In summary, the available evidence is currently insufficient to determine the role of this variant in disease. Therefore, it has been classified as a Variant of Uncertain Significance.

NM_001165967.2(HES7):c.460C>G (p.Pro154Ala)

Genes: HES7 (hes family bHLH transcription factor 7; minus strand), LOC130060203 (ATAC-STARR-seq lymphoblastoid silent region 8155; plus strand). Cytogenetic location: 17p13.1.
Variant type: single nucleotide variant.
Coding change: c.460C>G on transcript NM_001165967.2 (MANE Select); coding-DNA position 460, C replaced by G.
Protein change: p.Pro154Ala; replaces proline 154 with alanine.
Molecular consequence: missense variant.
Genome position (GRCh38, 1-based): chr17:8,121,804, G>C on the plus strand (C>G on the coding strand, the complement: HES7 is on the minus strand). VCF-style: chr17-8121804-G-C. GRCh37 (hg19) VCF-style: chr17-8025122-G-C.
Other names: c.445C>G (NM_032580.3); c.445C>G, p.Pro149Ala (NM_032580.4); short protein forms P149A, P154A.
Identifiers: ClinVar variation 2180334 (VCV002180334.3), dbSNP rs577019983, ClinGen allele CA8368626.